The following is an entry in ClinVar:

NM_001142640.2(TNRC6C):c.875G>A (p.Arg292Lys)

Gene: TNRC6C (trinucleotide repeat containing adaptor 6C; plus strand). Cytogenetic location: 17q25.3.
Variant type: single nucleotide variant.
Coding change: c.875G>A on transcript NM_001142640.2 (MANE Select); coding-DNA position 875, G replaced by A.
Protein change: p.Arg292Lys; replaces arginine 292 with lysine.
Molecular consequence: missense variant.
Genome position (GRCh38, 1-based): chr17:78,049,307, G>A. VCF-style: chr17-78049307-G-A. GRCh37 (hg19) VCF-style: chr17-76045388-G-A.
Other names: c.245G>A, p.Arg82Lys (NM_001395508.1, NM_001395511.1, NM_001395512.1 and 1 more transcripts); c.875G>A, p.Arg292Lys (NM_001395509.1, NM_001395510.1); short protein forms R292K, R82K.
Identifiers: ClinVar variation 2648333 (VCV002648333.24), dbSNP rs2509970509, ClinGen allele CA401213337.
Genomic context (GRCh38, chr17:78,049,307, plus strand): 5'-TGGCTCACTGCTCTGTCAGTGGTGGGGATGGAAAAATGGACACTATGATTGGAGATGGGA[G>A]AAGTCAGAATTGCTGGGGTGCTTCCAACTCCAATGCTGGCATTAATCTTAACCTTAATCC-3'
Protein context (NP_001136112.2, residues 282-302): GKMDTMIGDG[Arg292Lys]SQNCWGASNS

ClinVar aggregate classification (germline): Uncertain significance (1 of 4 stars; one submission).

Submission:

CeGaT Center for Human Genetics Tuebingen
Classification: Uncertain significance. Last evaluated: 2022-09-01. Review status: criteria provided, single submitter. Criteria: CeGaT Center For Human Genetics Tuebingen Variant Classification Criteria Version 2. Collection method: clinical testing. Allele origin: germline. Affected: yes. Observed: 1 variant allele.
Comment: TNRC6C: PM2, BP4